The following is an entry in ClinVar:

ClinVar aggregate classification (germline): Likely pathogenic (1 of 4 stars; one submission).

Conditions:
Hereditary cancer-predisposing syndrome. Also called: Tumor predisposition; Hereditary Cancer Syndrome; Hereditary neoplastic syndrome; Neoplastic Syndromes, Hereditary. Identifiers: Orphanet 140162, MedGen C0027672, MeSH D009386, MONDO:0015356.

gnomAD v4.1: 1 of 1,606,054 alleles (0.000062%); no homozygotes.

Submission:

Ambry Genetics
Classification: Likely pathogenic for Hereditary cancer-predisposing syndrome. Last evaluated: 2026-02-25. Review status: criteria provided, single submitter. Criteria: Ambry Variant Classification Scheme 2023. Collection method: clinical testing. Allele origin: germline.
Comment: The c.4236+4A>G intronic variant results from an A to G substitution 4 nucleotides after coding exon 27 in the ATM gene. This variant has been identified in the homozygous state and in conjunction with other ATM variants in individuals with features consistent with ataxia telangiectasia (Abolhassani A et al. NPJ Genom Med, 2024 Feb;9:12; Mutlu-Albayrak H et al. Neurogenetics, 2020 Jan;21:59-66). This nucleotide position is highly conserved in available vertebrate species. In silico splice site analysis predicts that this alteration will weaken the native splice donor site. RNA studies have demonstrated that this variant results in abnormal splicing in the set of samples tested (Ambry internal data). This variant is considered to be rare based on population cohorts in the Genome Aggregation Database (gnomAD). Based on the majority of available evidence to date, this variant is likely to be pathogenic.

Literature cited by the submitters: PubMed 31741144; PubMed 38374194.

NM_000051.4(ATM):c.4236+4A>G

Gene: ATM (ATM serine/threonine kinase; plus strand). Cytogenetic location: 11q22.3.
Variant type: single nucleotide variant.
Coding change: c.4236+4A>G on transcript NM_000051.4 (MANE Select); 4 bases into the intron after coding-DNA position 4236, A replaced by G.
Molecular consequence: intron variant.
Genome position (GRCh38, 1-based): chr11:108,289,107, A>G. VCF-style: chr11-108289107-A-G. GRCh37 (hg19) VCF-style: chr11-108159834-A-G.
Other names: c.4236+4A>G (NM_001351834.2).
Identifiers: ClinVar variation 1738940 (VCV001738940.3), dbSNP rs2135754046, ClinGen allele CA2580083211.
Genomic context (GRCh38, chr11:108,289,107, plus strand): 5'-AGCAATTGTCATAAAACCAAGTTAAAAAGCATTTTAGAAATTCTTTCCAAAAGCCCTGTA[A>G]GTATACATGATGAGTTTAATAATAGAACATTCCTTCTTTTTTAGCTAAAAAAACTTTGTA-3'